The following is an entry in ClinVar:

ClinVar aggregate classification (germline): Uncertain significance. Review status: criteria provided, single submitter (1 of 4 stars). 2 submissions from 2 submitters: Uncertain significance (1). 1 of the submissions does not count toward it. Last evaluated 2022-10-09.

Conditions:
LRP2-related disorder. Also called: LRP2-related condition.

Submissions (2):

Labcorp Genetics (formerly Invitae), Labcorp
Classification: Uncertain significance. Last evaluated: 2022-10-09. Review status: criteria provided, single submitter. Criteria: Invitae Variant Classification Sherloc (09022015). Collection method: clinical testing. Allele origin: germline.
Comment: This sequence change replaces threonine, which is neutral and polar, with alanine, which is neutral and non-polar, at codon 4256 of the LRP2 protein (p.Thr4256Ala). This variant is not present in population databases (gnomAD no frequency). This variant has not been reported in the literature in individuals affected with LRP2-related conditions. Advanced modeling of protein sequence and biophysical properties (such as structural, functional, and spatial information, amino acid conservation, physicochemical variation, residue mobility, and thermodynamic stability) performed at Invitae indicates that this missense variant is not expected to disrupt LRP2 protein function. In summary, the available evidence is currently insufficient to determine the role of this variant in disease. Therefore, it has been classified as a Variant of Uncertain Significance.

PreventionGenetics, part of Exact Sciences
Classification: Uncertain significance for LRP2-related condition. Last evaluated: 2024-04-18. Review status: no assertion criteria provided. Collection method: clinical testing. Allele origin: germline. Not counted in ClinVar's aggregate classification.
Comment: The LRP2 c.12766A>G variant is predicted to result in the amino acid substitution p.Thr4256Ala. To our knowledge, this variant has not been reported in the literature or in a large population database, indicating this variant is rare. At this time, the clinical significance of this variant is uncertain due to the absence of conclusive functional and genetic evidence.

NM_004525.3(LRP2):c.12766A>G (p.Thr4256Ala)

Gene: LRP2 (LDL receptor related protein 2; minus strand). Cytogenetic location: 2q31.1.
Variant type: single nucleotide variant.
Coding change: c.12766A>G on transcript NM_004525.3 (MANE Select); coding-DNA position 12766, A replaced by G.
Protein change: p.Thr4256Ala; replaces threonine 4256 with alanine.
Molecular consequence: missense variant.
Genome position (GRCh38, 1-based): chr2:169,146,784, T>C on the plus strand (A>G on the coding strand, the complement: LRP2 is on the minus strand). VCF-style: chr2-169146784-T-C. GRCh37 (hg19) VCF-style: chr2-170003294-T-C.
Other names: c.12766A>G (NM_004525.2); short protein forms T4256A.
Identifiers: ClinVar variation 1721361 (VCV001721361.4), dbSNP rs1685929147, ClinGen allele CA349129494.
Genomic context (GRCh38, chr2:169,146,784, plus strand): 5'-TAACTAATTTCTAACCTTCCTTTGCAATGACTCTCCTATCAGTCCCATCATATTTTATGG[T>C]TTCAATAACGTCCTCCTTGAAGTCACTCCAGTAGATTCGGTCATTGTTCAAATAATCGAT-3'
Protein context (NP_004516.2, residues 4246-4266): WSDFKEDVIE[Thr4256Ala]IKYDGTDRRV